The following is an entry in ClinVar:

GRCh37/hg19 7q11.23(chr7:72659674-74164894)x3

Genes: ABHD11 (abhydrolase domain containing 11; minus strand), ABHD11-AS1 (ABHD11 antisense RNA 1 (tail to tail); plus strand), BAZ1B (bromodomain adjacent to zinc finger domain 1B; minus strand), BCL7B (BAF chromatin remodeling complex subunit BCL7B; minus strand), BUD23 (BUD23 rRNA methyltransferase and ribosome maturation factor; plus strand) and 22 more. Cytogenetic location: 7q11.23.
Variant type: copy number gain.
Change: copy number 3 (three copies instead of two) of chr7:72,659,674-74,164,894 (1.51 Mb, GRCh37 coordinates, 1-based), cytogenetic band 7q11.23.
Identifiers: ClinVar variation 979621 (VCV000979621.3).

ClinVar aggregate classification (germline): Pathogenic (1 of 4 stars; one submission).

Submission:

Quest Diagnostics Nichols Institute San Juan Capistrano
Classification: Pathogenic. Last evaluated: 2022-07-31. Review status: criteria provided, single submitter. Criteria: ACMG/ClinGen CNV Guidelines, 2019. Collection method: clinical testing. Allele origin: unknown.
Comment: This copy number gain involves multiple protein-coding genes and is associated with chromosome 7q11.23 duplication syndrome (OMIM 609757). Although some individuals present with intellectual disability, others have no notable cognitive disabilities, and inheritance from an affected parent has been reported. This copy number gain is classified as pathogenic. See GeneReviews for additional information and references.